The following is an entry in ClinVar:

NM_001367624.2(ZNF469):c.10989C>T (p.Gly3663=)

Gene: ZNF469 (zinc finger protein 469; plus strand). Cytogenetic location: 16q24.2.
Variant type: single nucleotide variant.
Coding change: c.10989C>T on transcript NM_001367624.2 (MANE Select); coding-DNA position 10989, C replaced by T.
Protein change: p.Gly3663=; no amino-acid change (glycine 3663 retained).
Molecular consequence: synonymous variant.
Genome position (GRCh38, 1-based): chr16:88,438,459, C>T. VCF-style: chr16-88438459-C-T. GRCh37 (hg19) VCF-style: chr16-88504867-C-T.
Other names: NM_001127464.1:c.10905C>T; NM_001127464.2:c.10905C>T.
Identifiers: ClinVar variation 1577261 (VCV001577261.11), dbSNP rs575091053, ClinGen allele CA8225570.

ClinVar aggregate classification (germline): Likely benign. Review status: criteria provided, multiple submitters, no conflicts (2 of 4 stars). 3 submissions from 3 submitters: Likely benign (3). Last evaluated 2026-02-04.

Conditions:
ZNF469-related disorder. Also called: ZNF469-related condition.
Cardiovascular phenotype. Identifiers: MedGen CN230736.

Allele frequency attached by ClinVar (database versions not stated): gnomAD exomes 0.00002 and 0.00003; ExAC 0.00007; 1000 Genomes Project 0.00020; TOPMed 0.00026; 1000 Genomes Project 30x 0.00031; gnomAD 0.00032 and 0.00035.
gnomAD v4.1: 81 of 1,550,140 alleles (0.0052%); highest among the groups gnomAD compares: African/African-American, 0.094%; no homozygotes.

Submissions (3):

PreventionGenetics, part of Exact Sciences
Classification: Likely benign for ZNF469-related condition. Last evaluated: 2026-02-04. Review status: criteria provided, single submitter. Criteria: ACMG Guidelines, 2015. Collection method: clinical testing. Allele origin: germline.
Comment: This variant is classified as likely benign based on ACMG/AMP sequence variant interpretation guidelines (Richards et al. 2015 PMID: 25741868, with internal and published modifications).

Labcorp Genetics (formerly Invitae), Labcorp
Classification: Likely benign. Last evaluated: 2025-12-16. Review status: criteria provided, single submitter. Criteria: Invitae Variant Classification Sherloc (09022015). Collection method: clinical testing. Allele origin: germline.

Ambry Genetics
Classification: Likely benign for Cardiovascular phenotype. Last evaluated: 2022-02-21. Review status: criteria provided, single submitter. Criteria: Ambry Variant Classification Scheme 2023. Collection method: clinical testing. Allele origin: germline.